The following is an entry in ClinVar:

NM_000186.4(CFH):c.3427C>A (p.Gln1143Lys)

Gene: CFH (complement factor H; plus strand). Cytogenetic location: 1q31.3.
Variant type: single nucleotide variant.
Coding change: c.3427C>A on transcript NM_000186.4 (MANE Select); coding-DNA position 3427, C replaced by A.
Protein change: p.Gln1143Lys; replaces glutamine 1143 with lysine.
Molecular consequence: missense variant.
Genome position (GRCh38, 1-based): chr1:196,745,933, C>A. VCF-style: chr1-196745933-C-A. GRCh37 (hg19) VCF-style: chr1-196715063-C-A.
Other names: short protein forms Q1143K.
Identifiers: ClinVar variation 2964972 (VCV002964972.4), dbSNP rs15809, ClinGen allele CA1305953.
Genomic context (GRCh38, chr1:196,745,933, plus strand): 5'-TTCCCGTTGTCAGTATATGCTCCAGCTTCATCAGTTGAGTACCAATGCCAGAACTTGTAT[C>A]AACTTGAGGGTAACAAGCGAATAACATGTAGAAATGGACAATGGTCAGAACCACCAAAAT-3'
Protein context (NP_000177.2, residues 1133-1153): SVEYQCQNLY[Gln1143Lys]LEGNKRITCR

ClinVar aggregate classification (germline): Uncertain significance. Review status: criteria provided, multiple submitters, no conflicts (2 of 4 stars). 2 submissions from 2 submitters: Uncertain significance (2). Last evaluated 2024-04-09.

Conditions:
Basal laminar drusen. Also called: DRUSEN OF BRUCH MEMBRANE; DRUSEN, CUTICULAR; DRUSEN, EARLY ADULT-ONSET, GROUPED. Identifiers: Orphanet 75376, MedGen C0730295, MONDO:0007472, OMIM 126700.
Age related macular degeneration 4. Identifiers: MedGen C1853147, MONDO:0012540, OMIM 610698.
Hemolytic uremic syndrome, atypical, susceptibility to, 1. Also called: AHUS, SUSCEPTIBILITY TO, 1. Identifiers: Orphanet 2134, Orphanet 90038, MedGen C2749604, MONDO:0009335, OMIM 235400. Disease mechanism: Other.
Factor H deficiency (CFHD). Also called: COMPLEMENT FACTOR H DEFICIENCY; CFH DEFICIENCY. Identifiers: Orphanet 200421, MedGen C0398777, MONDO:0012350, OMIM 609814.

gnomAD v4.1: 7 of 1,613,904 alleles (0.00043%); highest among the groups gnomAD compares: South Asian, 0.0022%; no homozygotes.

Submissions (2):

Fulgent Genetics
Classification: Uncertain significance for Basal laminar drusen; Hemolytic uremic syndrome, atypical, susceptibility to, 1; Factor H deficiency; Age related macular degeneration 4. Last evaluated: 2024-04-09. Review status: criteria provided, single submitter. Criteria: ACMG Guidelines, 2015. Collection method: clinical testing. Allele origin: germline.

Labcorp Genetics (formerly Invitae), Labcorp
Classification: Uncertain significance. Last evaluated: 2023-02-19. Review status: criteria provided, single submitter. Criteria: Invitae Variant Classification Sherloc (09022015). Collection method: clinical testing. Allele origin: germline.
Comment: In summary, the available evidence is currently insufficient to determine the role of this variant in disease. Therefore, it has been classified as a Variant of Uncertain Significance. Algorithms developed to predict the effect of missense changes on protein structure and function output the following: SIFT: "Not Available"; PolyPhen-2: "Benign"; Align-GVGD: "Not Available". The lysine amino acid residue is found in multiple mammalian species, which suggests that this missense change does not adversely affect protein function. This variant has not been reported in the literature in individuals affected with CFH-related conditions. This variant is present in population databases (rs15809, gnomAD 0.0008%). This sequence change replaces glutamine, which is neutral and polar, with lysine, which is basic and polar, at codon 1143 of the CFH protein (p.Gln1143Lys).